The following is an entry in ClinVar:

ClinVar aggregate classification (germline): Uncertain significance (1 of 4 stars; one submission).

Submission:

GeneDx
Classification: Uncertain significance. Last evaluated: 2023-05-24. Review status: criteria provided, single submitter. Criteria: GeneDx Variant Classification Process June 2021. Collection method: clinical testing. Allele origin: germline. Affected: yes.
Comment: Not observed at significant frequency in large population cohorts (gnomAD); In silico analysis supports that this missense variant has a deleterious effect on protein structure/function; Has not been previously published as pathogenic or benign to our knowledge

NM_006766.5(KAT6A):c.4808G>C (p.Cys1603Ser)

Gene: KAT6A (lysine acetyltransferase 6A; minus strand). Cytogenetic location: 8p11.21.
Variant type: single nucleotide variant.
Coding change: c.4808G>C on transcript NM_006766.5 (MANE Select); coding-DNA position 4808, G replaced by C.
Protein change: p.Cys1603Ser; replaces cysteine 1603 with serine.
Molecular consequence: missense variant.
Genome position (GRCh38, 1-based): chr8:41,933,412, C>G on the plus strand (G>C on the coding strand, the complement: KAT6A is on the minus strand). VCF-style: chr8-41933412-C-G. GRCh37 (hg19) VCF-style: chr8-41790930-C-G.
Other names: short protein forms C1603S.
Identifiers: ClinVar variation 3343405 (VCV003343405.1).